The following is an entry in ClinVar:

ClinVar aggregate classification (germline): Uncertain significance (1 of 4 stars; one submission).

Submission:

Labcorp Genetics (formerly Invitae), Labcorp
Classification: Uncertain significance. Last evaluated: 2025-11-11. Review status: criteria provided, single submitter. Criteria: Invitae Variant Classification Sherloc (09022015). Collection method: clinical testing. Allele origin: germline.
Comment: This sequence change replaces proline, which is neutral and non-polar, with serine, which is neutral and polar, at codon 166 of the TSR2 protein (p.Pro166Ser). This variant is not present in population databases (gnomAD no frequency). This variant has not been reported in the literature in individuals affected with TSR2-related conditions. An algorithm developed to predict the effect of missense changes on protein structure and function outputs the following: PolyPhen-2: "Benign". The serine amino acid residue is found in multiple mammalian species, which suggests that this missense change does not adversely affect protein function. In summary, the available evidence is currently insufficient to determine the role of this variant in disease. Therefore, it has been classified as a Variant of Uncertain Significance.

NM_058163.3(TSR2):c.496C>T (p.Pro166Ser)

Gene: TSR2 (TSR2 ribosome maturation factor; plus strand). Cytogenetic location: Xp11.22.
Variant type: single nucleotide variant.
Coding change: c.496C>T on transcript NM_058163.3 (MANE Select); coding-DNA position 496, C replaced by T.
Protein change: p.Pro166Ser; replaces proline 166 with serine.
Molecular consequence: missense variant.
Genome position (GRCh38, 1-based): chrX:54,444,470, C>T. VCF-style: chrX-54444470-C-T. GRCh37 (hg19) VCF-style: chrX-54470903-C-T.
Other names: c.487C>T, p.Pro163Ser (NM_001346789.2); c.211C>T, p.Pro71Ser (NM_001346790.2, NM_001346791.2, NM_001346792.2); short protein forms P163S, P71S, P166S.
Identifiers: ClinVar variation 4730952 (VCV004730952.1).